The following is an entry in ClinVar:

NM_198963.3(DHX57):c.3966C>T (p.Phe1322=)

Gene: DHX57 (DExH-box helicase 57; minus strand). Cytogenetic location: 2p22.1.
Variant type: single nucleotide variant.
Coding change: c.3966C>T on transcript NM_198963.3 (MANE Select); coding-DNA position 3966, C replaced by T.
Protein change: p.Phe1322=; no amino-acid change (phenylalanine 1322 retained).
Molecular consequence: synonymous variant.
Genome position (GRCh38, 1-based): chr2:38,802,766, G>A on the plus strand (C>T on the coding strand, the complement: DHX57 is on the minus strand). VCF-style: chr2-38802766-G-A. GRCh37 (hg19) VCF-style: chr2-39029908-G-A.
Other names: c.3660C>T, p.Phe1220= (NM_001329963.1).
Identifiers: ClinVar variation 2650842 (VCV002650842.24), dbSNP rs146662521, ClinGen allele CA1622402.

ClinVar aggregate classification (germline): Likely benign (1 of 4 stars; one submission).

Allele frequency attached by ClinVar (database versions not stated): gnomAD 0.00217; ExAC 0.00278; ESP Exome Variant Server 0.00315; 1000 Genomes Project 30x 0.00344; 1000 Genomes Project 0.00359.
gnomAD v4.1: 4,575 of 1,614,100 alleles (0.28%); highest among the groups gnomAD compares: South Asian, 0.99%; 17 homozygotes.

Submission:

CeGaT Center for Human Genetics Tuebingen
Classification: Likely benign. Last evaluated: 2023-01-01. Review status: criteria provided, single submitter. Criteria: CeGaT Center For Human Genetics Tuebingen Variant Classification Criteria Version 2. Collection method: clinical testing. Allele origin: germline. Affected: yes. Observed: 1 variant allele.
Comment: DHX57: BP4, BP7, BS2